The following is an entry in ClinVar:

NM_006088.6(TUBB4B):c.665dup (p.Tyr222Ter)

Gene: TUBB4B (tubulin beta 4B class IVb; plus strand). Cytogenetic location: 9q34.3.
Variant type: Duplication.
Coding change: c.665dup on transcript NM_006088.6 (MANE Select); coding-DNA position 665, one base duplicated (A; older notation c.665dupA).
Protein change: p.Tyr222Ter; replaces tyrosine 222 with a stop codon.
Molecular consequence: nonsense.
Genome position (GRCh38, 1-based): chr9:137,242,883, A duplicated. VCF-style (leftmost placement, unchanged base first): chr9-137242882-T-TA. GRCh37 (hg19) VCF-style: chr9-140137334-T-TA.
Other names: short protein forms Y222*.
Identifiers: ClinVar variation 1401353 (VCV001401353.8), dbSNP rs1253853815, ClinGen allele CA861140783.

ClinVar aggregate classification (germline): Uncertain significance. Review status: criteria provided, multiple submitters, no conflicts (2 of 4 stars). 2 submissions from 2 submitters: Uncertain significance (2). Last evaluated 2022-07-12.

Allele frequency attached by ClinVar (database versions not stated): TOPMed below 0.00001; gnomAD 0.00001.

Submissions (2):

Labcorp Genetics (formerly Invitae), Labcorp
Classification: Uncertain significance. Last evaluated: 2022-07-12. Review status: criteria provided, single submitter. Criteria: Invitae Variant Classification Sherloc (09022015). Collection method: clinical testing. Allele origin: germline.
Comment: In summary, the available evidence is currently insufficient to determine the role of this variant in disease. Therefore, it has been classified as a Variant of Uncertain Significance. ClinVar contains an entry for this variant (Variation ID: 1401353). This variant has not been reported in the literature in individuals affected with TUBB4B-related conditions. This variant is not present in population databases (gnomAD no frequency). This sequence change creates a premature translational stop signal (p.Tyr222*) in the TUBB4B gene. While this is not anticipated to result in nonsense mediated decay, it is expected to disrupt the last 224 amino acid(s) of the TUBB4B protein.

Blueprint Genetics
Classification: Uncertain significance. Last evaluated: 2022-05-05. Review status: criteria provided, single submitter. Criteria: ACMG Guidelines, 2015. Collection method: clinical testing. Allele origin: germline.